The following is an entry in ClinVar:

ClinVar aggregate classification (germline): Uncertain significance. Review status: criteria provided, multiple submitters, no conflicts (2 of 4 stars). 2 submissions from 2 submitters: Uncertain significance (2). Last evaluated 2024-08-14.

Conditions:
Inborn genetic diseases. Identifiers: MedGen C0950123, MeSH D030342.

gnomAD v4.1: 12 of 1,551,238 alleles (0.00077%); highest among the groups gnomAD compares: Non-Finnish European, 0.001%; no homozygotes.

Submissions (2):

GeneDx
Classification: Uncertain significance. Last evaluated: 2024-08-14. Review status: criteria provided, single submitter. Criteria: GeneDx Variant Classification Process June 2021. Collection method: clinical testing. Allele origin: germline. Affected: yes.
Comment: Not observed at significant frequency in large population cohorts (gnomAD); In silico analysis supports that this missense variant has a deleterious effect on protein structure/function; Has not been previously published as pathogenic or benign to our knowledge

Ambry Genetics
Classification: Uncertain significance for Inborn genetic diseases. Last evaluated: 2023-06-01. Review status: criteria provided, single submitter. Criteria: Ambry Variant Classification Scheme 2023. Collection method: clinical testing. Allele origin: germline.

NM_001353345.2(SETD1B):c.925A>C (p.Lys309Gln)

Gene: SETD1B (SET domain containing 1B, histone lysine methyltransferase; plus strand). Cytogenetic location: 12q24.31.
Variant type: single nucleotide variant.
Coding change: c.925A>C on transcript NM_001353345.2 (MANE Select); coding-DNA position 925, A replaced by C.
Protein change: p.Lys309Gln; replaces lysine 309 with glutamine.
Molecular consequence: missense variant.
Genome position (GRCh38, 1-based): chr12:121,809,870, A>C. VCF-style: chr12-121809870-A-C. GRCh37 (hg19) VCF-style: chr12-122247776-A-C.
Other names: NM_015048.1:c.925A>C; c.925A>C (NM_001353345.1); short protein forms K309Q.
Identifiers: ClinVar variation 2554956 (VCV002554956.3), dbSNP rs2500183036, ClinGen allele CA386990504.
Genomic context (GRCh38, chr12:121,809,870, plus strand): 5'-TACTCCAGCCGCCAGCCCACACCCTCATACCTCTTCAGCCAGGACCCTGCAGTGACCTTC[A>C]AGGCCCGGCGCCACGAGAGCAAGTTCACGGACGCCTACAACCGCCGCCACGAACATCATT-3'
Protein context (NP_001340274.1, residues 299-319): LFSQDPAVTF[Lys309Gln]ARRHESKFTD